The following is an entry in ClinVar:

NM_020778.5(ALPK3):c.5108G>A (p.Gly1703Asp)

Gene: ALPK3 (alpha kinase 3; plus strand). Cytogenetic location: 15q25.3.
Variant type: single nucleotide variant.
Coding change: c.5108G>A on transcript NM_020778.5 (MANE Select); coding-DNA position 5108, G replaced by A.
Protein change: p.Gly1703Asp; replaces glycine 1703 with aspartic acid.
Molecular consequence: missense variant.
Genome position (GRCh38, 1-based): chr15:84,868,446, G>A. VCF-style: chr15-84868446-G-A. GRCh37 (hg19) VCF-style: chr15-85411677-G-A.
Other names: short protein forms G1703D.
Identifiers: ClinVar variation 1474391 (VCV001474391.9), dbSNP rs1239606869, ClinGen allele CA393366534.

ClinVar aggregate classification (germline): Uncertain significance. Review status: criteria provided, multiple submitters, no conflicts (2 of 4 stars). 2 submissions from 2 submitters: Uncertain significance (2). Last evaluated 2025-11-21.

Conditions:
Cardiovascular phenotype. Identifiers: MedGen CN230736.

Allele frequency attached by ClinVar (database versions not stated): gnomAD exomes below 0.00001; TOPMed below 0.00001; gnomAD 0.00002.
gnomAD v4.1: 6 of 1,606,888 alleles (0.00037%); highest among the groups gnomAD compares: African/African-American, 0.008%; no homozygotes.

Submissions (2):

Labcorp Genetics (formerly Invitae), Labcorp
Classification: Uncertain significance. Last evaluated: 2025-11-21. Review status: criteria provided, single submitter. Criteria: Invitae Variant Classification Sherloc (09022015). Collection method: clinical testing. Allele origin: germline.
Comment: This sequence change replaces glycine, which is neutral and non-polar, with aspartic acid, which is acidic and polar, at codon 1905 of the ALPK3 protein (p.Gly1905Asp). This variant is present in population databases (no rsID available, gnomAD 0.02%). This variant has not been reported in the literature in individuals affected with ALPK3-related conditions. ClinVar contains an entry for this variant (Variation ID: 1474391). An algorithm developed to predict the effect of missense changes on protein structure and function (PolyPhen-2) suggests that this variant is likely to be disruptive. In summary, the available evidence is currently insufficient to determine the role of this variant in disease. Therefore, it has been classified as a Variant of Uncertain Significance.

Ambry Genetics
Classification: Uncertain significance for Cardiovascular phenotype. Last evaluated: 2025-03-27. Review status: criteria provided, single submitter. Criteria: Ambry Variant Classification Scheme 2023. Collection method: clinical testing. Allele origin: germline.